The following is an entry in ClinVar:

ClinVar aggregate classification (germline): Uncertain significance (1 of 4 stars; one submission).

Conditions:
Melanoma, cutaneous malignant, susceptibility to, 8. Also called: MELANOMA AND RENAL CELL CARCINOMA, SUSCEPTIBILITY TO; Cutaneous malignant melanoma 8. Identifiers: Orphanet 293822, MedGen C3152204, MONDO:0013759, OMIM 614456.
Tietz syndrome (TADS). Also called: ALBINISM-DEAFNESS OF TIETZ; HYPOPIGMENTATION/DEAFNESS OF TIETZ; TIETZ ALBINISM-DEAFNESS SYNDROME. Identifiers: Orphanet 42665, MedGen C0391816, MONDO:0007077, OMIM 103500.
Waardenburg syndrome type 2A (WS2A). Also called: WAARDENBURG SYNDROME WITHOUT DYSTOPIA CANTHORUM. Identifiers: Orphanet 3440, MedGen C1860339, MONDO:0008671, OMIM 193510.

gnomAD v4.1: 1 of 1,614,114 alleles (0.000062%); highest among the groups gnomAD compares: Non-Finnish European, 0.000085%; no homozygotes.

Submission:

Labcorp Genetics (formerly Invitae), Labcorp
Classification: Uncertain significance for Melanoma, cutaneous malignant, susceptibility to, 8; Waardenburg syndrome type 2A; Tietz syndrome. Last evaluated: 2025-03-02. Review status: criteria provided, single submitter. Criteria: Invitae Variant Classification Sherloc (09022015). Collection method: clinical testing. Allele origin: germline.
Comment: This sequence change replaces serine, which is neutral and polar, with phenylalanine, which is neutral and non-polar, at codon 302 of the MITF protein (p.Ser302Phe). This variant is not present in population databases (gnomAD no frequency). This variant has not been reported in the literature in individuals affected with MITF-related conditions. Invitae Evidence Modeling of protein sequence and biophysical properties (such as structural, functional, and spatial information, amino acid conservation, physicochemical variation, residue mobility, and thermodynamic stability) indicates that this missense variant is not expected to disrupt MITF protein function with a negative predictive value of 80%. In summary, the available evidence is currently insufficient to determine the role of this variant in disease. Therefore, it has been classified as a Variant of Uncertain Significance.

NM_001354604.2(MITF):c.1226C>T (p.Ser409Phe)

Gene: MITF (melanocyte inducing transcription factor; plus strand). Cytogenetic location: 3p13.
Variant type: single nucleotide variant.
Coding change: c.1226C>T on transcript NM_001354604.2 (MANE Select); coding-DNA position 1226, C replaced by T.
Protein change: p.Ser409Phe; replaces serine 409 with phenylalanine.
Molecular consequence: missense variant.
Genome position (GRCh38, 1-based): chr3:69,964,893, C>T. VCF-style: chr3-69964893-C-T. GRCh37 (hg19) VCF-style: chr3-70014044-C-T.
Other names: c.905C>T, p.Ser302Phe (NM_000248.4); c.1052C>T, p.Ser351Phe (NM_001184967.2, NM_001354608.2); c.1223C>T, p.Ser408Phe (NM_001354605.2); c.1205C>T, p.Ser402Phe (NM_001354606.2, NM_006722.3); c.1157C>T, p.Ser386Phe (NM_001354607.2); c.887C>T, p.Ser296Phe (NM_198158.3); c.1208C>T, p.Ser403Phe (NM_198159.3); c.1160C>T, p.Ser387Phe (NM_198177.3); and 1 more; short protein forms S240F, S296F, S302F, S351F, S386F, S387F, S402F, S403F.
Identifiers: ClinVar variation 3757728 (VCV003757728.2).